The following is an entry in ClinVar:

ClinVar aggregate classification (germline): Uncertain significance (1 of 4 stars; one submission).

Submission:

Ambry Genetics
Classification: Uncertain significance. Last evaluated: 2025-06-02. Review status: criteria provided, single submitter. Criteria: Ambry Variant Classification Scheme 2023. Collection method: clinical testing. Allele origin: germline.
Comment: The p.L737M variant (also known as c.2209C>A), located in coding exon 21 of the KIF1B gene, results from a C to A substitution at nucleotide position 2209. The leucine at codon 737 is replaced by methionine, an amino acid with highly similar properties. This amino acid position is conserved. In addition, the in silico prediction for this alteration is inconclusive. Based on the available evidence, the clinical significance of this variant remains unclear.

NM_001365951.3(KIF1B):c.2347C>A (p.Leu783Met)

Gene: KIF1B (kinesin family member 1B; plus strand). Cytogenetic location: 1p36.22.
Variant type: single nucleotide variant.
Coding change: c.2347C>A on transcript NM_001365951.3 (MANE Select); coding-DNA position 2347, C replaced by A.
Protein change: p.Leu783Met; replaces leucine 783 with methionine.
Molecular consequence: missense variant.
Genome position (GRCh38, 1-based): chr1:10,321,846, C>A. VCF-style: chr1-10321846-C-A. GRCh37 (hg19) VCF-style: chr1-10381904-C-A.
Other names: c.2347C>A, p.Leu783Met (NM_001365952.1); c.2209C>A, p.Leu737Met (NM_015074.3); short protein forms L737M, L783M.
Identifiers: ClinVar variation 4043161 (VCV004043161.1).
Genomic context (GRCh38, chr1:10,321,846, plus strand): 5'-CGGGACTTACTCTGGGGCAATGCCGTGTACCTAAAGGAGGCCAATGCCATCAGTGTGGAA[C>A]TGAAAAAGAAGGTATGGAGCAGGAGGACACAGGAGAGCTGGAGGCAAAGCCGAGCCTGCT-3'
Protein context (NP_001352880.1, residues 773-793): LKEANAISVE[Leu783Met]KKKVQFQFVL